The following is an entry in ClinVar:

NM_000130.5(F5):c.373+1G>A

Gene: F5 (coagulation factor V; minus strand). Cytogenetic location: 1q24.2.
Variant type: single nucleotide variant.
Coding change: c.373+1G>A on transcript NM_000130.5 (MANE Select); the canonical splice donor site of the intron after coding-DNA position 373, G replaced by A.
Molecular consequence: splice donor variant.
Genome position (GRCh38, 1-based): chr1:169,572,220, C>T on the plus strand (G>A on the coding strand, the complement: F5 is on the minus strand). VCF-style: chr1-169572220-C-T. GRCh37 (hg19) VCF-style: chr1-169541458-C-T.
Identifiers: ClinVar variation 2816739 (VCV002816739.3), dbSNP rs2526472593, ClinGen allele CA343141833.

ClinVar aggregate classification (germline): Likely pathogenic (1 of 4 stars; one submission).

Conditions:
Congenital factor V deficiency. Also called: Hereditary factor V deficiency disease; LABILE FACTOR DEFICIENCY; OWREN PARAHEMOPHILIA; PARAHEMOPHILIA. Identifiers: Orphanet 326, MedGen C0015499, MONDO:0009210, OMIM 227400.

Submission:

Labcorp Genetics (formerly Invitae), Labcorp
Classification: Likely pathogenic for Congenital factor V deficiency. Last evaluated: 2022-11-25. Review status: criteria provided, single submitter. Criteria: Invitae Variant Classification Sherloc (09022015). Collection method: clinical testing. Allele origin: germline.
Comment: Algorithms developed to predict the effect of sequence changes on RNA splicing suggest that this variant may disrupt the consensus splice site. In summary, the currently available evidence indicates that the variant is pathogenic, but additional data are needed to prove that conclusively. Therefore, this variant has been classified as Likely Pathogenic. This variant has not been reported in the literature in individuals affected with F5-related conditions. This variant is not present in population databases (gnomAD no frequency). This sequence change affects a donor splice site in intron 3 of the F5 gene. It is expected to disrupt RNA splicing. Variants that disrupt the donor or acceptor splice site typically lead to a loss of protein function (PMID: 16199547), and loss-of-function variants in F5 are known to be pathogenic (PMID: 30924984).

Literature cited by the submitters: PubMed 16199547; PubMed 30924984.